The following is an entry in ClinVar:

ClinVar aggregate classification (germline): Likely benign (1 of 4 stars; one submission).

Allele frequency attached by ClinVar (database versions not stated): ExAC 0.00002; TOPMed 0.00004; gnomAD 0.00005; gnomAD exomes 0.00006.
gnomAD v4.1: 91 of 1,612,670 alleles (0.0056%); highest among the groups gnomAD compares: Non-Finnish European, 0.0075%; no homozygotes.

Submission:

CeGaT Center for Human Genetics Tuebingen
Classification: Likely benign. Last evaluated: 2022-09-01. Review status: criteria provided, single submitter. Criteria: CeGaT Center For Human Genetics Tuebingen Variant Classification Criteria Version 2. Collection method: clinical testing. Allele origin: germline. Affected: yes. Observed: 1 variant allele.
Comment: TRAPPC8: BP4

NM_014939.5(TRAPPC8):c.2292T>C (p.Pro764=)

Gene: TRAPPC8 (trafficking protein particle complex subunit 8; minus strand). Cytogenetic location: 18q12.1.
Variant type: single nucleotide variant.
Coding change: c.2292T>C on transcript NM_014939.5 (MANE Select); coding-DNA position 2292, T replaced by C.
Protein change: p.Pro764=; no amino-acid change (proline 764 retained).
Molecular consequence: synonymous variant.
Genome position (GRCh38, 1-based): chr18:31,870,468, A>G on the plus strand (T>C on the coding strand, the complement: TRAPPC8 is on the minus strand). VCF-style: chr18-31870468-A-G. GRCh37 (hg19) VCF-style: chr18-29450431-A-G.
Identifiers: ClinVar variation 3025827 (VCV003025827.22), dbSNP rs750348534, ClinGen allele CA8929670.